The following is an entry in ClinVar:

NM_000553.6(WRN):c.2004T>C (p.Asp668=)

Gene: WRN (WRN RecQ like helicase; plus strand). Cytogenetic location: 8p12.
Variant type: single nucleotide variant.
Coding change: c.2004T>C on transcript NM_000553.6 (MANE Select); coding-DNA position 2004, T replaced by C.
Protein change: p.Asp668=; no amino-acid change (aspartic acid 668 retained).
Molecular consequence: synonymous variant.
Genome position (GRCh38, 1-based): chr8:31,100,871, T>C. VCF-style: chr8-31100871-T-C. GRCh37 (hg19) VCF-style: chr8-30958387-T-C.
Other names: c.2004T>C (NM_000553.4).
Identifiers: ClinVar variation 1559580 (VCV001559580.11), dbSNP rs575593855, ClinGen allele CA174868104.

ClinVar aggregate classification (germline): Likely benign. Review status: criteria provided, multiple submitters, no conflicts (2 of 4 stars). 3 submissions from 3 submitters: Likely benign (2). 1 of the submissions does not count toward it. Last evaluated 2025-05-05.

Conditions:
WRN-related disorder. Also called: WRN-related condition.
Werner syndrome (WRN). Identifiers: Orphanet 902, MedGen C0043119, MONDO:0010196, OMIM 277700.

Allele frequency attached by ClinVar (database versions not stated): gnomAD exomes below 0.00001; gnomAD 0.00001; 1000 Genomes Project 30x 0.00016; 1000 Genomes Project 0.00020.

Submissions (3):

Labcorp Genetics (formerly Invitae), Labcorp
Classification: Likely benign for Werner syndrome. Last evaluated: 2025-05-05. Review status: criteria provided, single submitter. Criteria: Invitae Variant Classification Sherloc (09022015). Collection method: clinical testing. Allele origin: germline.

Breakthrough Genomics
Classification: Likely benign. Review status: criteria provided, single submitter. Criteria: ACMG Guidelines, 2015. Collection method: not provided. Allele origin: germline. Inheritance: Autosomal recessive inheritance. Affected: yes.

PreventionGenetics, part of Exact Sciences
Classification: Likely benign for WRN-related condition. Last evaluated: 2021-07-27. Review status: no assertion criteria provided. Collection method: clinical testing. Allele origin: germline. Not counted in ClinVar's aggregate classification.
Comment: This variant is classified as likely benign based on ACMG/AMP sequence variant interpretation guidelines (Richards et al. 2015 PMID: 25741868, with internal and published modifications).